The following is an entry in ClinVar:

NM_194248.3(OTOF):c.367G>A (p.Gly123Ser)

Gene: OTOF (otoferlin; minus strand). Cytogenetic location: 2p23.3.
Variant type: single nucleotide variant.
Coding change: c.367G>A on transcript NM_194248.3 (MANE Select); coding-DNA position 367, G replaced by A.
Protein change: p.Gly123Ser; replaces glycine 123 with serine.
Molecular consequence: missense variant.
Genome position (GRCh38, 1-based): chr2:26,516,560, C>T on the plus strand (G>A on the coding strand, the complement: OTOF is on the minus strand). VCF-style: chr2-26516560-C-T. GRCh37 (hg19) VCF-style: chr2-26739428-C-T.
Other names: c.367G>A, p.Gly123Ser (NM_001287489.2); short protein forms G123S.
Identifiers: ClinVar variation 48222 (VCV000048222.66), dbSNP rs116314622, ClinGen allele CA142863.

ClinVar aggregate classification (germline): Benign/Likely benign. Review status: criteria provided, multiple submitters, no conflicts (2 of 4 stars). 10 submissions from 10 submitters: Benign (5); Likely benign (4). 1 of the submissions does not count toward it. Last evaluated 2026-02-04.

Conditions:
OTOF-related disorder. Also called: OTOF-related condition.
Autosomal recessive nonsyndromic hearing loss 9. Also called: NEUROSENSORY NONSYNDROMIC RECESSIVE DEAFNESS 9; Deafness, autosomal recessive 9; OTOF-Related Hearing Loss; AUDITORY NEUROPATHY, AUTOSOMAL RECESSIVE, 1, TEMPERATURE-SENSITIVE. Identifiers: Orphanet 90636, MedGen C1832828, MONDO:0010986, OMIM 601071.

Allele frequency attached by ClinVar (database versions not stated): ExAC 0.00320; gnomAD exomes 0.00342; TOPMed 0.00208; 1000 Genomes Project 30x 0.00250; 1000 Genomes Project 0.00260; ESP Exome Variant Server 0.00261; gnomAD 0.00134.

Submissions (10):

Labcorp Genetics (formerly Invitae), Labcorp
Classification: Likely benign. Last evaluated: 2026-02-04. Review status: criteria provided, single submitter. Criteria: Invitae Variant Classification Sherloc (09022015). Collection method: clinical testing. Allele origin: germline.

CeGaT Center for Human Genetics Tuebingen
Classification: Benign. Last evaluated: 2025-03-01. Review status: criteria provided, single submitter. Criteria: CeGaT Center For Human Genetics Tuebingen Variant Classification Criteria Version 2. Collection method: clinical testing. Allele origin: germline. Affected: yes. Observed: 5 variant alleles.
Comment: OTOF: BP4, BS1, BS2

Blueprint Genetics
Classification: Likely benign. Last evaluated: 2024-11-07. Review status: criteria provided, single submitter. Criteria: ACMG Guidelines, 2015. Collection method: clinical testing. Allele origin: germline.

ARUP Laboratories, Molecular Genetics and Genomics, ARUP Laboratories
Classification: Likely benign. Last evaluated: 2023-09-21. Review status: criteria provided, single submitter. Criteria: ARUP Molecular Germline Variant Investigation Process 2024. Collection method: clinical testing. Allele origin: germline.

Women's Health and Genetics/Laboratory Corporation of America, LabCorp
Classification: Benign. Last evaluated: 2022-07-08. Review status: criteria provided, single submitter. Criteria: LabCorp Variant Classification Summary - May 2015. Collection method: clinical testing. Allele origin: germline.
Comment: Variant summary: OTOF c.367G>A (p.Gly123Ser) results in a non-conservative amino acid change located in the Ferlin, first C2 domain (IPR037726) of the encoded protein sequence. Three of five in-silico tools predict a damaging effect of the variant on protein function. The variant allele was found at a frequency of 0.0034 in 248832 control chromosomes (gnomAD), including 4 homozygotes. The variant occurs predominantly at a frequency of 0.0068 within the South Asian subpopulation in the gnomAD database. The observed variant frequency within South Asian control individuals in the gnomAD database is approximately 6-fold of the estimated maximal expected allele frequency for a pathogenic variant in OTOF causing Nonsyndromic Hearing Loss And Deafness, Type 9 (0.0011), strongly suggesting that the variant is a benign polymorphism found primarily in populations of South Asian origin. Six ClinVar submitters have assessed the variant since 2014: four classified the variant as likely benign, and two as benign. Based on the evidence outlined above, the variant was classified as benign.

Dubai Health Genomic Medicine Center, Dubai Health
Classification: Benign for Autosomal recessive nonsyndromic hearing loss 9. Last evaluated: 2020-11-03. Review status: criteria provided, single submitter. Criteria: ACMG Guidelines, 2015. Collection method: clinical testing. Allele origin: germline. Affected: yes.

GeneDx
Classification: Benign. Last evaluated: 2019-08-05. Review status: criteria provided, single submitter. Criteria: GeneDx Variant Classification Process June 2021. Collection method: clinical testing. Allele origin: germline. Affected: yes.
Comment: This variant is associated with the following publications: (PMID: 26969326, 29484972, 31095577)

Laboratory for Molecular Medicine, Mass General Brigham Personalized Medicine
Classification: Benign. Last evaluated: 2012-05-15. Review status: criteria provided, single submitter. Criteria: LMM Criteria. Collection method: clinical testing. Allele origin: germline. Observed: 5 variant alleles.
Comment: Gly123Ser in Exon 05A of OTOF: This variant is not expected to have clinical sig nificance because it has been identified in 0.4% (34/8600) of European American chromosomes from a broad population by the NHLBI Exome Sequencing Project (dbSNP rs116314622).

Breakthrough Genomics
Classification: Likely benign. Review status: criteria provided, single submitter. Criteria: ACMG Guidelines, 2015. Collection method: not provided. Allele origin: germline. Inheritance: Autosomal recessive inheritance. Affected: yes.

PreventionGenetics, part of Exact Sciences
Classification: Benign for OTOF-related condition. Last evaluated: 2021-08-24. Review status: no assertion criteria provided. Collection method: clinical testing. Allele origin: germline. Not counted in ClinVar's aggregate classification.
Comment: This variant is classified as benign based on ACMG/AMP sequence variant interpretation guidelines (Richards et al. 2015 PMID: 25741868, with internal and published modifications).